The following is an entry in ClinVar:

ClinVar aggregate classification (germline): Uncertain significance (1 of 4 stars; one submission).

Allele frequency attached by ClinVar (database versions not stated): gnomAD 0.00001.
gnomAD v4.1: 17 of 1,585,564 alleles (0.0011%); highest among the groups gnomAD compares: Non-Finnish European, 0.0014%; no homozygotes.

Submission:

Labcorp Genetics (formerly Invitae), Labcorp
Classification: Uncertain significance. Last evaluated: 2023-07-10. Review status: criteria provided, single submitter. Criteria: Invitae Variant Classification Sherloc (09022015). Collection method: clinical testing. Allele origin: germline.
Comment: Advanced modeling of protein sequence and biophysical properties (such as structural, functional, and spatial information, amino acid conservation, physicochemical variation, residue mobility, and thermodynamic stability) performed at Invitae indicates that this missense variant is not expected to disrupt KL protein function. This variant has not been reported in the literature in individuals affected with KL-related conditions. This variant is present in population databases (no rsID available, gnomAD 0.002%). This sequence change replaces glycine, which is neutral and non-polar, with glutamic acid, which is acidic and polar, at codon 264 of the KL protein (p.Gly264Glu). In summary, the available evidence is currently insufficient to determine the role of this variant in disease. Therefore, it has been classified as a Variant of Uncertain Significance.

NM_004795.4(KL):c.791G>A (p.Gly264Glu)

Genes: KL (klotho; plus strand), LOC130009539 (ATAC-STARR-seq lymphoblastoid silent region 5254; plus strand). Cytogenetic location: 13q13.1.
Variant type: single nucleotide variant.
Coding change: c.791G>A on transcript NM_004795.4 (MANE Select); coding-DNA position 791, G replaced by A.
Protein change: p.Gly264Glu; replaces glycine 264 with glutamic acid.
Molecular consequence: missense variant.
Genome position (GRCh38, 1-based): chr13:33,017,231, G>A. VCF-style: chr13-33017231-G-A. GRCh37 (hg19) VCF-style: chr13-33591369-G-A.
Other names: short protein forms G264E.
Identifiers: ClinVar variation 2958341 (VCV002958341.3), dbSNP rs1042437460, ClinGen allele CA247507648.